The following is an entry in ClinVar:

ClinVar aggregate classification (germline): Uncertain significance. Review status: criteria provided, multiple submitters, no conflicts (2 of 4 stars). 4 submissions from 4 submitters: Uncertain significance (4). Last evaluated 2024-11-14.

Conditions:
Rheumatoid arthritis (RA). Also called: RHEUMATOID ARTHRITIS, SUSCEPTIBILITY TO. Identifiers: MedGen C0003873, MONDO:0008383, OMIM 180300, HP:0001370.
MHC class II deficiency 1 (MHC2D1). Also called: Bare lymphocyte syndrome type 2, complementation group A; SCID, HLA CLASS II-NEGATIVE; BARE LYMPHOCYTE SYNDROME, TYPE II, COMPLEMENTATION GROUP A. Identifiers: MedGen C1859534, MONDO:0971005, OMIM 209920.
MHC class II deficiency. Also called: BLS, TYPE II; Bare lymphocyte syndrome 2. Identifiers: Orphanet 572, MedGen C5447452, MONDO:0008855.

Allele frequency attached by ClinVar (database versions not stated): ExAC 0.00012; 1000 Genomes Project 30x 0.00016; 1000 Genomes Project 0.00020; gnomAD 0.00066 and 0.00072; ESP Exome Variant Server 0.00077; TOPMed 0.00077.
gnomAD v4.1: 206 of 1,613,998 alleles (0.013%); highest among the groups gnomAD compares: African/African-American, 0.22%; no homozygotes.

Submissions (4):

Blueprint Genetics
Classification: Uncertain significance. Last evaluated: 2024-11-14. Review status: criteria provided, single submitter. Criteria: ACMG Guidelines, 2015. Collection method: clinical testing. Allele origin: germline.

Labcorp Genetics (formerly Invitae), Labcorp
Classification: Uncertain significance for MHC class II deficiency. Last evaluated: 2022-08-23. Review status: criteria provided, single submitter. Criteria: Invitae Variant Classification Sherloc (09022015). Collection method: clinical testing. Allele origin: germline.
Comment: This sequence change replaces valine, which is neutral and non-polar, with alanine, which is neutral and non-polar, at codon 138 of the CIITA protein (p.Val138Ala). This variant is present in population databases (rs142469968, gnomAD 0.2%). This variant has not been reported in the literature in individuals affected with CIITA-related conditions. ClinVar contains an entry for this variant (Variation ID: 569422). Algorithms developed to predict the effect of missense changes on protein structure and function output the following: SIFT: "Tolerated"; PolyPhen-2: "Benign"; Align-GVGD: "Class C0". The alanine amino acid residue is found in multiple mammalian species, which suggests that this missense change does not adversely affect protein function. In summary, the available evidence is currently insufficient to determine the role of this variant in disease. Therefore, it has been classified as a Variant of Uncertain Significance.

New York Genome Center
Classification: Uncertain significance for MHC class II deficiency 1. Last evaluated: 2020-07-03. Review status: criteria provided, single submitter. Criteria: NYGC Assertion Criteria 2020. Collection method: clinical testing. Allele origin: inherited. Observed: 1 homozygote. Study: CSER-NYCKidSeq.
Comment: The homozygous c.413T>C (p.Val138Ala) variant identified in the CIITA gene substitutes a moderately conserved Valine for Alanine at amino acid 138/1131 (exon 5/20). The Valine at this position is replaced by an Alanine in some smaller vertebrate species (Chinese hamster, mouse). This variant is identified in 101 heterozygotes in gnomAD(v3.0), 0 homozygotes, with an allele frequency of 7.06e-4. In silico algorithms predict this variant to be Neutral (Provean; score:0.73) and Tolerated (SIFT; score:1.0) to the function of the canonical transcript. This variant is reported in ClinVar as a Variant of Uncertain Significance (VarID:569422) and to our current knowledge has not been reported in affected individuals in the literature. The p.Val138 residue is not within a mapped domain of CIITA (UniProtKB:P33076). Given the lack of compelling evidence for its pathogenicity, the homozygous c.413T>C (p.Val138Ala) variant identified in the CIITA gene is reported as a Variant of Uncertain Significance.

Center for Genomics, Ann and Robert H. Lurie Children's Hospital of Chicago
Classification: Uncertain significance for Rheumatoid arthritis; MHC class II deficiency 1. Review status: criteria provided, single submitter. Criteria: ACMG Guidelines, 2015. Collection method: clinical testing. Allele origin: germline.
Comment: CIITA NM_00246.3 exon 5 p.Val138Ala (c.413T>C): This variant has not been reported in the literature but is present in 0.1% (46/24946) of African alleles in the Genome Aggregation Database. This variant is present in ClinVar (Variation ID:569422). This variant amino acid Alanine (Ala) is present in >30 species including mammals and is not well conserved among evolutionarily distant species; this suggests that this variant may not impact the protein. Additional computational prediction tools do not suggest an impact. In summary, data on this variant is insufficient for disease classification. Therefore, the clinical significance of this variant is uncertain

NM_000246.4(CIITA):c.413T>C (p.Val138Ala)

Gene: CIITA (class II major histocompatibility complex transactivator; plus strand). Cytogenetic location: 16p13.13.
Variant type: single nucleotide variant.
Coding change: c.413T>C on transcript NM_000246.4 (MANE Select); coding-DNA position 413, T replaced by C.
Protein change: p.Val138Ala; replaces valine 138 with alanine.
Molecular consequence: missense variant. On other transcripts: non-coding transcript variant (1).
Genome position (GRCh38, 1-based): chr16:10,898,979, T>C. VCF-style: chr16-10898979-T-C. GRCh37 (hg19) VCF-style: chr16-10992836-T-C.
Other names: c.416T>C, p.Val139Ala (NM_001286402.1, NM_001379330.1, NM_001379332.1); c.413T>C, p.Val138Ala (NM_001286403.2, NM_001379331.1, NM_001379333.1); c.344T>C, p.Val115Ala (NM_001379334.1); short protein forms V138A, V139A, V115A.
Identifiers: ClinVar variation 569422 (VCV000569422.9), dbSNP rs142469968, ClinGen allele CA7899703.